The following is an entry in ClinVar:

NM_174916.3(UBR1):c.4198A>G (p.Ile1400Val)

Gene: UBR1 (ubiquitin protein ligase E3 component n-recognin 1; minus strand). Cytogenetic location: 15q15.2.
Variant type: single nucleotide variant.
Coding change: c.4198A>G on transcript NM_174916.3 (MANE Select); coding-DNA position 4198, A replaced by G.
Protein change: p.Ile1400Val; replaces isoleucine 1400 with valine.
Molecular consequence: missense variant.
Genome position (GRCh38, 1-based): chr15:42,977,900, T>C on the plus strand (A>G on the coding strand, the complement: UBR1 is on the minus strand). VCF-style: chr15-42977900-T-C. GRCh37 (hg19) VCF-style: chr15-43270098-T-C.
Other names: short protein forms I1400V.
Identifiers: ClinVar variation 3770851 (VCV003770851.13).

ClinVar aggregate classification (germline): Uncertain significance (1 of 4 stars; one submission).

gnomAD v4.1: 17 of 1,613,134 alleles (0.0011%); highest among the groups gnomAD compares: Middle Eastern, 0.05%; no homozygotes.

Submission:

CeGaT Center for Human Genetics Tuebingen
Classification: Uncertain significance. Last evaluated: 2025-01-01. Review status: criteria provided, single submitter. Criteria: CeGaT Center For Human Genetics Tuebingen Variant Classification Criteria Version 2. Collection method: clinical testing. Allele origin: germline. Affected: yes. Observed: 1 variant allele.
Comment: UBR1: PM2, BP4